The following is an entry in ClinVar:

ClinVar aggregate classification (germline): Pathogenic/Likely pathogenic. Review status: criteria provided, multiple submitters, no conflicts (2 of 4 stars). 2 submissions from 2 submitters: Pathogenic (1); Likely pathogenic (1). Last evaluated 2021-05-01.

Conditions:
Drash syndrome (DDS). Also called: WILMS TUMOR AND PSEUDO- OR TRUE HERMAPHRODITISM; NEPHROPATHY, WILMS TUMOR, AND GENITAL ANOMALIES. Identifiers: Orphanet 220, MedGen C0950121, MONDO:0008682, OMIM 194080.
Frasier syndrome. Identifiers: Orphanet 347, MedGen C0950122, MeSH D052159, MONDO:0007635, OMIM 136680.
Wilms tumor 1 (WT1). Also called: Wilms tumor, somatic. Identifiers: Orphanet 654, MedGen CN033288, MONDO:0008679, OMIM 194070.
11p partial monosomy syndrome (WAGR). Also called: WAGR Spectrum Disorder; WAGR Complex; CHROMOSOME 11p13 DELETION SYNDROME; WAGR syndrome. Identifiers: Orphanet 893, MedGen C0206115, MONDO:0008681, OMIM 194072.

Submissions (2):

Laan Lab, Human Genetics Research Group, University of Tartu
Classification: Likely pathogenic for Wilms tumor 1. Last evaluated: 2021-05-01. Review status: criteria provided, single submitter. Criteria: ACMG Guidelines, 2015. Collection method: research. Allele origin: unknown. Affected: yes. Observed: 1 variant allele, 1 heterozygote.

Labcorp Genetics (formerly Invitae), Labcorp
Classification: Pathogenic for Wilms tumor 1; Drash syndrome; 11p partial monosomy syndrome; Frasier syndrome. Last evaluated: 2020-06-17. Review status: criteria provided, single submitter. Criteria: Invitae Variant Classification Sherloc (09022015). Collection method: clinical testing. Allele origin: germline.
Comment: This variant is not present in population databases (ExAC no frequency). This sequence change creates a premature translational stop signal (p.Gly147Alafs*11) in the WT1 gene. It is expected to result in an absent or disrupted protein product. For these reasons, this variant has been classified as Pathogenic. Loss-of-function variants in WT1 are known to be pathogenic (PMID: 15150775). This variant has been observed in individual(s) with bilateral Wilms tumor (Invitae).

Literature cited by the submitters: PubMed 35535697 (cited by Laan Lab, Human Genetics Research Group, University of Tartu); PubMed 15150775 (cited by Labcorp Genetics (formerly Invitae), Labcorp).

NM_024426.6(WT1):c.455del (p.Gly152fs)

Genes: WT1 (WT1 transcription factor; minus strand), LOC107982234 (WT1/WT1-AS bi-directional promoter region; plus strand). Cytogenetic location: 11p13.
Variant type: Deletion.
Coding change: c.455del on transcript NM_024426.6 (MANE Select); coding-DNA position 455, one base deleted (G; older notation c.455delG).
Protein change: p.Gly152fs; shifts the reading frame from glycine 152.
Molecular consequence: frameshift variant. On other transcripts: non-coding transcript variant (1).
Genome position (GRCh38, 1-based): chr11:32,434,906, C deleted on the plus strand (G on the coding strand, the reverse complement: WT1 is on the minus strand); the first of 4 consecutive C bases (chr11:32,434,906-32,434,909); deleting any one gives the same sequence. VCF-style (leftmost placement, unchanged base first): chr11-32434905-GC-G. GRCh37 (hg19) VCF-style: chr11-32456451-GC-G.
Other names: c.455del, p.Gly152fs (NM_000378.6, NM_024424.5); short protein forms G152fs.
Identifiers: ClinVar variation 1075590 (VCV001075590.10), dbSNP rs2133103216, ClinGen allele CA2499220922.
Genomic context (GRCh38, chr11:32,434,905, plus strand): 5'-CTGGCCGGAAAAGTGGACAGTGAAGGCGCTCAGGCACTGCTCCTCGTGCGGCTCCGCGCC[GC>G]CCCAGCTCGGCTCCTGTTTGATGAAGGAGTGAGGCGGCGGCGGCGGGGGTGGCGGCGGAG-3'